The following is an entry in ClinVar:

ClinVar aggregate classification (germline): Uncertain significance. Review status: criteria provided, multiple submitters, no conflicts (2 of 4 stars). 2 submissions from 2 submitters: Uncertain significance (2). Last evaluated 2021-11-12.

Conditions:
Hereditary nonpolyposis colorectal neoplasms. Identifiers: MedGen C0009405, MeSH D003123.
Hereditary cancer-predisposing syndrome. Also called: Hereditary Cancer Syndrome; Neoplastic Syndromes, Hereditary; Hereditary neoplastic syndrome; Tumor predisposition. Identifiers: Orphanet 140162, MedGen C0027672, MeSH D009386, MONDO:0015356.

Allele frequency attached by ClinVar (database versions not stated): gnomAD exomes below 0.00001; ExAC 0.00001.
gnomAD v4.1: 1 of 1,614,066 alleles (0.000062%); highest among the groups gnomAD compares: Non-Finnish European, 0.000085%; no homozygotes.

Submissions (2):

Labcorp Genetics (formerly Invitae), Labcorp
Classification: Uncertain significance for Hereditary nonpolyposis colorectal neoplasms. Last evaluated: 2021-11-12. Review status: criteria provided, single submitter. Criteria: Invitae Variant Classification Sherloc (09022015). Collection method: clinical testing. Allele origin: germline.
Comment: This variant is present in population databases (rs760129709, gnomAD 0.0009%). This sequence change replaces leucine, which is neutral and non-polar, with arginine, which is basic and polar, at codon 815 of the MSH6 protein (p.Leu815Arg). This variant has not been reported in the literature in individuals affected with MSH6-related conditions. In summary, the available evidence is currently insufficient to determine the role of this variant in disease. Therefore, it has been classified as a Variant of Uncertain Significance. Advanced modeling of protein sequence and biophysical properties (such as structural, functional, and spatial information, amino acid conservation, physicochemical variation, residue mobility, and thermodynamic stability) performed at Invitae indicates that this missense variant is expected to disrupt MSH6 protein function. ClinVar contains an entry for this variant (Variation ID: 428397).

Ambry Genetics
Classification: Uncertain significance for Hereditary cancer-predisposing syndrome. Last evaluated: 2015-12-02. Review status: criteria provided, single submitter. Criteria: Ambry Variant Classification Scheme 2023. Collection method: clinical testing. Allele origin: germline.
Comment: The p.L815R variant (also known as c.2444T>G), located in coding exon 4 of the MSH6 gene, results from a T to G substitution at nucleotide position 2444. The leucine at codon 815 is replaced by arginine, an amino acid with dissimilar properties. This variant was not reported in population based cohorts in the following databases: Database of Single Nucleotide Polymorphisms (dbSNP), NHLBI Exome Sequencing Project (ESP), and 1000 Genomes Project. In the ESP, this variant was not observed in 6503 samples (13006 alleles) with coverage at this position. To date, this alteration has been detected with an allele frequency of approximately 0.001% (greater than 115000 alleles tested) in our clinical cohort. This amino acid position is well conserved in available vertebrate species. In addition, this alteration is predicted to be deleterious by in silico analysis. Since supporting evidence is limited at this time, the clinical significance of p.L815R remains unclear.

NM_000179.3(MSH6):c.2444T>G (p.Leu815Arg)

Gene: MSH6 (mutS homolog 6; plus strand). Cytogenetic location: 2p16.3.
Variant type: single nucleotide variant.
Coding change: c.2444T>G on transcript NM_000179.3 (MANE Select); coding-DNA position 2444, T replaced by G.
Protein change: p.Leu815Arg; replaces leucine 815 with arginine.
Molecular consequence: missense variant.
Genome position (GRCh38, 1-based): chr2:47,800,427, T>G. VCF-style: chr2-47800427-T-G. GRCh37 (hg19) VCF-style: chr2-48027566-T-G.
Other names: c.2054T>G, p.Leu685Arg (NM_001281492.2); c.1538T>G, p.Leu513Arg (NM_001281493.2, NM_001281494.2); short protein forms L815R, L685R, L513R.
Identifiers: ClinVar variation 428397 (VCV000428397.11), dbSNP rs760129709, ClinGen allele CA069080.